The following is an entry in ClinVar:

ClinVar aggregate classification (germline): Uncertain significance. Review status: criteria provided, multiple submitters, no conflicts (2 of 4 stars). 3 submissions from 3 submitters: Uncertain significance (3). Last evaluated 2025-03-15.

Conditions:
Inborn genetic diseases. Identifiers: MedGen C0950123, MeSH D030342.
Facioscapulohumeral muscular dystrophy 2 (FSHD2). Also called: MUSCULAR DYSTROPHY, FACIOSCAPULOHUMERAL, TYPE 1B; FACIOSCAPULOHUMERAL MUSCULAR DYSTROPHY 2, DIGENIC; FSHD2, DIGENIC. Identifiers: Orphanet 269, MedGen C1834671, MONDO:0008031, OMIM 158901.

Allele frequency attached by ClinVar (database versions not stated): gnomAD 0.00002; TOPMed 0.00005.
gnomAD v4.1: 10 of 1,553,294 alleles (0.00064%); highest among the groups gnomAD compares: African/African-American, 0.0041%; no homozygotes.

Submissions (3):

Ambry Genetics
Classification: Uncertain significance for Inborn genetic diseases. Last evaluated: 2025-03-15. Review status: criteria provided, single submitter. Criteria: Ambry Variant Classification Scheme 2023. Collection method: clinical testing. Allele origin: germline.

Labcorp Genetics (formerly Invitae), Labcorp
Classification: Uncertain significance for Facioscapulohumeral muscular dystrophy 2. Last evaluated: 2024-10-10. Review status: criteria provided, single submitter. Criteria: Invitae Variant Classification Sherloc (09022015). Collection method: clinical testing. Allele origin: germline.
Comment: This sequence change replaces valine, which is neutral and non-polar, with alanine, which is neutral and non-polar, at codon 982 of the SMCHD1 protein (p.Val982Ala). This variant is not present in population databases (gnomAD no frequency). This variant has not been reported in the literature in individuals affected with SMCHD1-related conditions. ClinVar contains an entry for this variant (Variation ID: 1038196). Invitae Evidence Modeling of protein sequence and biophysical properties (such as structural, functional, and spatial information, amino acid conservation, physicochemical variation, residue mobility, and thermodynamic stability) indicates that this missense variant is not expected to disrupt SMCHD1 protein function with a negative predictive value of 80%. In summary, the available evidence is currently insufficient to determine the role of this variant in disease. Therefore, it has been classified as a Variant of Uncertain Significance.

Revvity Omics, Revvity
Classification: Uncertain significance. Last evaluated: 2022-09-22. Review status: criteria provided, single submitter. Criteria: ACMG Guidelines, 2015. Collection method: clinical testing. Allele origin: germline.

NM_015295.3(SMCHD1):c.2945T>C (p.Val982Ala)

Gene: SMCHD1 (structural maintenance of chromosomes flexible hinge domain containing 1; plus strand). Cytogenetic location: 18p11.32.
Variant type: single nucleotide variant.
Coding change: c.2945T>C on transcript NM_015295.3 (MANE Select); coding-DNA position 2945, T replaced by C.
Protein change: p.Val982Ala; replaces valine 982 with alanine.
Molecular consequence: missense variant.
Genome position (GRCh38, 1-based): chr18:2,729,306, T>C. VCF-style: chr18-2729306-T-C. GRCh37 (hg19) VCF-style: chr18-2729304-T-C.
Other names: c.2945T>C (NM_015295.2); short protein forms V982A.
Identifiers: ClinVar variation 1038196 (VCV001038196.9), dbSNP rs944887850, ClinGen allele CA295468685.